The following is an entry in ClinVar:

ClinVar aggregate classification (germline): Likely pathogenic (1 of 4 stars; one submission).

Conditions:
Combined malonic and methylmalonic acidemia. Identifiers: Orphanet 289504, MedGen C3280314, MONDO:0013661, OMIM 614265.

Submission:

Natera, Inc.
Classification: Likely pathogenic for Combined malonic and methylmalonic aciduria. Last evaluated: 2025-01-03. Review status: criteria provided, single submitter. Criteria: Natera Variant Classification Schema (03/2026). Collection method: clinical testing. Allele origin: germline.
Comment: The c.1670del variant in ACSF3 is a frameshift variant predicted to elongate the protein beyond the termination codon. This variant is expected to result in nonsense mediated decay, truncation, or a dysfunctional protein product. This variant is rare in the general population with a frequency below the threshold expected for the associated phenotype(s). Given the available evidence, this variant is classified as Likely Pathogenic.

NM_001243279.3(ACSF3):c.1670del (p.Pro557fs)

Gene: ACSF3 (acyl-CoA synthetase family member 3; plus strand). Cytogenetic location: 16q24.3.
Variant type: Deletion.
Coding change: c.1670del on transcript NM_001243279.3 (MANE Select); coding-DNA position 1670, one base deleted (C; older notation c.1670delC).
Protein change: p.Pro557fs; shifts the reading frame from proline 557.
Molecular consequence: frameshift variant. On other transcripts: non-coding transcript variant (4).
Genome position (GRCh38, 1-based): chr16:89,154,146, C deleted; the last of 3 consecutive C bases (chr16:89,154,144-89,154,146); deleting any one gives the same sequence. VCF-style (leftmost placement, unchanged base first): chr16-89154143-TC-T. GRCh37 (hg19) VCF-style: chr16-89220551-TC-T.
Other names: c.1670del, p.Pro557fs (NM_001127214.4, NM_174917.5); c.875del, p.Pro292fs (NM_001284316.2); short protein forms P292fs, P557fs.
Identifiers: ClinVar variation 4066381 (VCV004066381.2).
Genomic context (GRCh38, chr16:89,154,143, plus strand): 5'-TCTGCAGAAATGTCCTGGCCCCGTACGCGGTGCCCTCGGAGCTGGTGCTGGTGGAGGAGA[TC>T]CCGCGGAACCAGATGGGCAAGATTGACAAGAAGGCGCTCATCAGGCACTTCCACCCCTCA-3'